The following is an entry in ClinVar:

NM_205836.3(FBXO38):c.1985A>G (p.Gln662Arg)

Gene: FBXO38 (F-box protein 38; plus strand). Cytogenetic location: 5q32.
Variant type: single nucleotide variant.
Coding change: c.1985A>G on transcript NM_205836.3 (MANE Select); coding-DNA position 1985, A replaced by G.
Protein change: p.Gln662Arg; replaces glutamine 662 with arginine.
Molecular consequence: missense variant. On other transcripts: intron variant (1).
Genome position (GRCh38, 1-based): chr5:148,427,279, A>G. VCF-style: chr5-148427279-A-G. GRCh37 (hg19) VCF-style: chr5-147806842-A-G.
Other names: c.1985A>G, p.Gln662Arg (NM_030793.5); c.1918+1578A>G (NM_001271723.2); short protein forms Q662R.
Identifiers: ClinVar variation 582664 (VCV000582664.12), dbSNP rs748950456, ClinGen allele CA3497431.
Genomic context (GRCh38, chr5:148,427,279, plus strand): 5'-GAAAAGGCAAGACTCCACTTCGAAAGAGGTACAACTCCCATCAGATGGGCCAGTCGAAGC[A>G]GTTTCCCCTCGAGGAAAGCAGCTGTGAGAAAGGCTGTCAGGTCACCAGTGAGCAGATCAA-3'
Protein context (NP_995308.1, residues 652-672): YNSHQMGQSK[Gln662Arg]FPLEESSCEK

ClinVar aggregate classification (germline): Uncertain significance. Review status: criteria provided, multiple submitters, no conflicts (2 of 4 stars). 2 submissions from 2 submitters: Uncertain significance (2). Last evaluated 2026-06-30.

Conditions:
FBXO38-related disorder. Also called: FBXO38-related condition.
Distal hereditary motor neuropathy type 2. Identifiers: Orphanet 139525, MedGen C3711384, MeSH C580044, MONDO:0015352.

Allele frequency attached by ClinVar (database versions not stated): ExAC 0.00001; gnomAD exomes 0.00001 and below 0.00001; gnomAD 0.00002; TOPMed 0.00003.
gnomAD v4.1: 10 of 1,614,106 alleles (0.00062%); highest among the groups gnomAD compares: Non-Finnish European, 0.00085%; no homozygotes.

Submissions (2):

PreventionGenetics, part of Exact Sciences
Classification: Uncertain significance for FBXO38-related condition. Last evaluated: 2026-06-30. Review status: criteria provided, single submitter. Criteria: ACMG Guidelines, 2015. Collection method: clinical testing. Allele origin: germline.
Comment: The FBXO38 c.1985A>G variant is predicted to result in the amino acid substitution p.Gln662Arg. To our knowledge, this variant has not been reported in the literature. This variant is reported in 0.0026% of alleles in individuals of European (non-Finnish) descent in gnomAD. At this time, the clinical significance of this variant is uncertain due to the absence of conclusive functional and genetic evidence.

Labcorp Genetics (formerly Invitae), Labcorp
Classification: Uncertain significance for Distal hereditary motor neuropathy type 2. Last evaluated: 2023-09-06. Review status: criteria provided, single submitter. Criteria: Invitae Variant Classification Sherloc (09022015). Collection method: clinical testing. Allele origin: germline.
Comment: This sequence change replaces glutamine, which is neutral and polar, with arginine, which is basic and polar, at codon 662 of the FBXO38 protein (p.Gln662Arg). This variant is present in population databases (rs748950456, gnomAD 0.003%). This variant has not been reported in the literature in individuals affected with FBXO38-related conditions. ClinVar contains an entry for this variant (Variation ID: 582664). Advanced modeling of protein sequence and biophysical properties (such as structural, functional, and spatial information, amino acid conservation, physicochemical variation, residue mobility, and thermodynamic stability) performed at Invitae indicates that this missense variant is not expected to disrupt FBXO38 protein function. In summary, the available evidence is currently insufficient to determine the role of this variant in disease. Therefore, it has been classified as a Variant of Uncertain Significance.